The following is an entry in ClinVar:

ClinVar aggregate classification (germline): Likely benign. Review status: criteria provided, multiple submitters, no conflicts (2 of 4 stars). 3 submissions from 3 submitters: Likely benign (3). Last evaluated 2026-04-01.

Allele frequency attached by ClinVar (database versions not stated): gnomAD 0.00021 and 0.00023; TOPMed 0.00021; ESP Exome Variant Server 0.00046; gnomAD exomes 0.00051.
gnomAD v4.1: 779 of 1,612,988 alleles (0.048%); highest among the groups gnomAD compares: Non-Finnish European, 0.06%; no homozygotes.

Submissions (3):

CeGaT Center for Human Genetics Tuebingen
Classification: Likely benign. Last evaluated: 2026-04-01. Review status: criteria provided, single submitter. Criteria: CeGaT Center For Human Genetics Tuebingen Variant Classification Criteria Version 2. Collection method: clinical testing. Allele origin: germline. Affected: yes. Observed: 3 variant alleles.
Comment: CAD: BP4, BP7

Labcorp Genetics (formerly Invitae), Labcorp
Classification: Likely benign. Last evaluated: 2026-01-24. Review status: criteria provided, single submitter. Criteria: Invitae Variant Classification Sherloc (09022015). Collection method: clinical testing. Allele origin: germline.

Blueprint Genetics
Classification: Likely benign. Last evaluated: 2024-11-06. Review status: criteria provided, single submitter. Criteria: ACMG Guidelines, 2015. Collection method: clinical testing. Allele origin: germline.

NM_004341.5(CAD):c.4578C>T (p.Gly1526=)

Gene: CAD (carbamoyl-phosphate synthetase 2, aspartate transcarbamylase, and dihydroorotase; plus strand). Cytogenetic location: 2p23.3.
Variant type: single nucleotide variant.
Coding change: c.4578C>T on transcript NM_004341.5 (MANE Select); coding-DNA position 4578, C replaced by T.
Protein change: p.Gly1526=; no amino-acid change (glycine 1526 retained).
Molecular consequence: synonymous variant.
Genome position (GRCh38, 1-based): chr2:27,237,732, C>T. VCF-style: chr2-27237732-C-T. GRCh37 (hg19) VCF-style: chr2-27460600-C-T.
Other names: c.4389C>T, p.Gly1463= (NM_001306079.2).
Identifiers: ClinVar variation 725520 (VCV000725520.43), dbSNP rs140814058, ClinGen allele CA1573584.